The following is an entry in ClinVar:

NM_014795.4(ZEB2):c.1359G>A (p.Met453Ile)

Gene: ZEB2 (zinc finger E-box binding homeobox 2; minus strand). Cytogenetic location: 2q22.3.
Variant type: single nucleotide variant.
Coding change: c.1359G>A on transcript NM_014795.4 (MANE Select); coding-DNA position 1359, G replaced by A.
Protein change: p.Met453Ile; replaces methionine 453 with isoleucine.
Molecular consequence: missense variant.
Genome position (GRCh38, 1-based): chr2:144,399,828, C>T on the plus strand (G>A on the coding strand, the complement: ZEB2 is on the minus strand). VCF-style: chr2-144399828-C-T. GRCh37 (hg19) VCF-style: chr2-145157395-C-T.
Other names: c.1287G>A, p.Met429Ile (NM_001171653.2); short protein forms M429I, M453I.
Identifiers: ClinVar variation 2993414 (VCV002993414.3), dbSNP rs2549106902, ClinGen allele CA348712032.
Genomic context (GRCh38, chr2:144,399,828, plus strand): 5'-CCTGGAAACAGTATTGTCCACAATCTGTAGAACCTTTTGTACCTCACTTAAATTACTATT[C>T]ATGGTGGGAAACCCAAGTAAAGGGGCTTCCATCCCTACACCTAAGTGCTGCATTGGACTC-3'
Protein context (NP_055610.1, residues 443-463): MEAPLLGFPT[Met453Ile]NSNLSEVQKV

ClinVar aggregate classification (germline): Uncertain significance (1 of 4 stars; one submission).

Conditions:
Mowat-Wilson syndrome (MOWS). Also called: Classic Mowat-Wilson Syndrome. Identifiers: Orphanet 2152, MedGen C1856113, MONDO:0009341, OMIM 235730.

Allele frequency attached by ClinVar (database versions not stated): gnomAD exomes below 0.00001.
gnomAD v4.1: 2 of 1,614,188 alleles (0.00012%); highest among the groups gnomAD compares: Non-Finnish European, 0.00017%; no homozygotes.

Submission:

Labcorp Genetics (formerly Invitae), Labcorp
Classification: Uncertain significance for Mowat-Wilson syndrome. Last evaluated: 2025-06-02. Review status: criteria provided, single submitter. Criteria: Invitae Variant Classification Sherloc (09022015). Collection method: clinical testing. Allele origin: germline.
Comment: This sequence change replaces methionine, which is neutral and non-polar, with isoleucine, which is neutral and non-polar, at codon 453 of the ZEB2 protein (p.Met453Ile). This variant is not present in population databases (gnomAD no frequency). This variant has not been reported in the literature in individuals affected with ZEB2-related conditions. ClinVar contains an entry for this variant (Variation ID: 2993414). An algorithm developed to predict the effect of missense changes on protein structure and function outputs the following: PolyPhen-2: "Benign". The isoleucine amino acid residue is found in multiple mammalian species, which suggests that this missense change does not adversely affect protein function. In summary, the available evidence is currently insufficient to determine the role of this variant in disease. Therefore, it has been classified as a Variant of Uncertain Significance.